The following is an entry in ClinVar:

ClinVar aggregate classification (germline): Uncertain significance (1 of 4 stars; one submission).

Conditions:
Norman-Roberts syndrome (LIS2). Also called: Lissencephaly 2 (Norman-Roberts type). Identifiers: Orphanet 89844, MedGen C0796089, MONDO:0009760, OMIM 257320.
Familial temporal lobe epilepsy 7. Identifiers: Orphanet 101046, MedGen C4225327, MONDO:0014639, OMIM 616436.

Allele frequency attached by ClinVar (database versions not stated): 1000 Genomes Project 30x 0.00016; 1000 Genomes Project 0.00020.
gnomAD v4.1: 5 of 1,614,126 alleles (0.00031%); highest among the groups gnomAD compares: Non-Finnish European, 0.00042%; no homozygotes.

Submission:

Labcorp Genetics (formerly Invitae), Labcorp
Classification: Uncertain significance for Familial temporal lobe epilepsy 7; Norman-Roberts syndrome. Last evaluated: 2022-12-18. Review status: criteria provided, single submitter. Criteria: Invitae Variant Classification Sherloc (09022015). Collection method: clinical testing. Allele origin: germline.
Comment: ClinVar contains an entry for this variant (Variation ID: 1720303). This variant has not been reported in the literature in individuals affected with RELN-related conditions. This variant is not present in population databases (gnomAD no frequency). This sequence change replaces threonine, which is neutral and polar, with isoleucine, which is neutral and non-polar, at codon 2963 of the RELN protein (p.Thr2963Ile). Advanced modeling of protein sequence and biophysical properties (such as structural, functional, and spatial information, amino acid conservation, physicochemical variation, residue mobility, and thermodynamic stability) performed at Invitae indicates that this missense variant is not expected to disrupt RELN protein function. In summary, the available evidence is currently insufficient to determine the role of this variant in disease. Therefore, it has been classified as a Variant of Uncertain Significance.

NM_005045.4(RELN):c.8888C>T (p.Thr2963Ile)

Genes: SLC26A5-AS1 (SLC26A5 antisense RNA 1; plus strand), RELN (reelin; minus strand). Cytogenetic location: 7q22.1.
Variant type: single nucleotide variant.
Coding change: c.8888C>T on transcript NM_005045.4 (MANE Select); coding-DNA position 8888, C replaced by T.
Protein change: p.Thr2963Ile; replaces threonine 2963 with isoleucine.
Molecular consequence: missense variant.
Genome position (GRCh38, 1-based): chr7:103,497,882, G>A on the plus strand (C>T on the coding strand, the complement: RELN is on the minus strand). VCF-style: chr7-103497882-G-A. GRCh37 (hg19) VCF-style: chr7-103138329-G-A.
Other names: c.8888C>T, p.Thr2963Ile (NM_173054.3); short protein forms T2963I.
Identifiers: ClinVar variation 1720303 (VCV001720303.5), dbSNP rs200781285, ClinGen allele CA163910023.
Genomic context (GRCh38, chr7:103,497,882, plus strand): 5'-CCATCGGTAGAGTAGTCCAACAGCACGCCTTCCTTCCGGCAGATGGGACGATGGCAAGAG[G>A]TCATGTTGTTCTCACTACCGATGCGCCCCCAGTATTGCAGGAACCTGAATGCAAGCACAT-3'
Protein context (NP_005036.2, residues 2953-2973): WGRIGSENNM[Thr2963Ile]SCHRPICRKE